The following is an entry in ClinVar:

NM_002936.6(RNASEH1):c.128+195A>C

Gene: RNASEH1 (ribonuclease H1; minus strand). Cytogenetic location: 2p25.3.
Variant type: single nucleotide variant.
Coding change: c.128+195A>C on transcript NM_002936.6 (MANE Select); 195 bases into the intron after coding-DNA position 128, A replaced by C.
Molecular consequence: intron variant. On other transcripts: 5 prime UTR variant (1).
Genome position (GRCh38, 1-based): chr2:3,557,938, T>G on the plus strand (A>C on the coding strand, the complement: RNASEH1 is on the minus strand). VCF-style: chr2-3557938-T-G. GRCh37 (hg19) VCF-style: chr2-3605528-T-G.
Other names: c.-267A>C (NM_001286837.3); c.128+195A>C (NM_001378272.1, NM_001378273.1, NM_001378271.1); c.50+195A>C (NM_001286834.3).
Identifiers: ClinVar variation 670034 (VCV000670034.2), dbSNP rs62106013, ClinGen allele CA11245470.

ClinVar aggregate classification (germline): Benign. Review status: criteria provided, multiple submitters, no conflicts (2 of 4 stars). 2 submissions from 2 submitters: Benign (2). Last evaluated 2018-06-14.

Allele frequency attached by ClinVar (database versions not stated): gnomAD 0.30842 and 0.32111; TOPMed 0.31418; gnomAD exomes 0.35826; 1000 Genomes Project 30x 0.38523; 1000 Genomes Project 0.39157.
gnomAD v4.1: 542,996 of 1,529,976 alleles (35%); highest among the groups gnomAD compares: East Asian, 56%; 101,674 homozygotes.

Submissions (2):

GeneDx
Classification: Benign. Last evaluated: 2018-06-14. Review status: criteria provided, single submitter. Criteria: GeneDx Variant Classification (06012015). Collection method: clinical testing. Allele origin: germline. Affected: yes.
Comment: This variant is considered likely benign or benign based on one or more of the following criteria: it is a conservative change, it occurs at a poorly conserved position in the protein, it is predicted to be benign by multiple in silico algorithms, and/or has population frequency not consistent with disease.

Breakthrough Genomics
Classification: Benign. Review status: criteria provided, single submitter. Criteria: ACMG Guidelines, 2015. Collection method: not provided. Allele origin: germline. Inheritance: Autosomal recessive inheritance. Affected: yes.